The following is an entry in ClinVar:

NM_152490.5(B3GALNT2):c.959T>C (p.Ile320Thr)

Gene: B3GALNT2 (beta-1,3-N-acetylgalactosaminyltransferase 2; minus strand). Cytogenetic location: 1q42.3.
Variant type: single nucleotide variant.
Coding change: c.959T>C on transcript NM_152490.5 (MANE Select); coding-DNA position 959, T replaced by C.
Protein change: p.Ile320Thr; replaces isoleucine 320 with threonine.
Molecular consequence: missense variant.
Genome position (GRCh38, 1-based): chr1:235,458,669, A>G on the plus strand (T>C on the coding strand, the complement: B3GALNT2 is on the minus strand). VCF-style: chr1-235458669-A-G. GRCh37 (hg19) VCF-style: chr1-235621977-A-G.
Other names: c.959T>C (NM_152490.2); short protein forms I320T.
Identifiers: ClinVar variation 473889 (VCV000473889.3), dbSNP rs148808160, ClinGen allele CA1464739.

ClinVar aggregate classification (germline): Uncertain significance. Review status: criteria provided, multiple submitters, no conflicts (2 of 4 stars). 2 submissions from 2 submitters: Uncertain significance (2). Last evaluated 2024-08-29.

Conditions:
Muscular dystrophy-dystroglycanopathy (congenital with brain and eye anomalies), type a, 11 (MDDGA11). Also called: Congenital muscular dystrophy-dystroglycanopathy with brain and eye anomalies, type A11; WALKER-WARBURG SYNDROME OR MUSCLE-EYE-BRAIN DISEASE, B3GALNT2-RELATED; Muscular dystrophy-dystroglycanopathy (congenital with brain and eye anomalies, type A, 11. Identifiers: Orphanet 588, Orphanet 899, MedGen C3554638, MONDO:0014071, OMIM 615181.
Inborn genetic diseases. Identifiers: MedGen C0950123, MeSH D030342.

Allele frequency attached by ClinVar (database versions not stated): gnomAD 0.00001; gnomAD exomes 0.00003 and 0.00012; TOPMed 0.00007; ESP Exome Variant Server 0.00008; ExAC 0.00011; 1000 Genomes Project 30x 0.00016; 1000 Genomes Project 0.00020.
gnomAD v4.1: 51 of 1,613,140 alleles (0.0032%); highest among the groups gnomAD compares: Admixed American, 0.043%; no homozygotes.

Submissions (2):

Ambry Genetics
Classification: Uncertain significance for Inborn genetic diseases. Last evaluated: 2024-08-29. Review status: criteria provided, single submitter. Criteria: Ambry Variant Classification Scheme 2023. Collection method: clinical testing. Allele origin: germline.

Labcorp Genetics (formerly Invitae), Labcorp
Classification: Uncertain significance for Muscular dystrophy-dystroglycanopathy (congenital with brain and eye anomalies), type a, 11. Last evaluated: 2022-07-23. Review status: criteria provided, single submitter. Criteria: Invitae Variant Classification Sherloc (09022015). Collection method: clinical testing. Allele origin: germline.
Comment: This sequence change replaces isoleucine, which is neutral and non-polar, with threonine, which is neutral and polar, at codon 320 of the B3GALNT2 protein (p.Ile320Thr). This variant is present in population databases (rs148808160, gnomAD 0.07%). This variant has not been reported in the literature in individuals affected with B3GALNT2-related conditions. ClinVar contains an entry for this variant (Variation ID: 473889). Algorithms developed to predict the effect of missense changes on protein structure and function are either unavailable or do not agree on the potential impact of this missense change (SIFT: "Deleterious"; PolyPhen-2: "Probably Damaging"; Align-GVGD: "Class C0"). In summary, the available evidence is currently insufficient to determine the role of this variant in disease. Therefore, it has been classified as a Variant of Uncertain Significance.